The following is an entry in ClinVar:

ClinVar aggregate classification (germline): Pathogenic (1 of 4 stars; one submission).

Submission:

GeneDx
Classification: Pathogenic. Last evaluated: 2019-02-04. Review status: criteria provided, single submitter. Criteria: GeneDx Variant Classification (06012015). Collection method: clinical testing. Allele origin: germline. Affected: yes.
Comment: The R469X variant in the CUL4B gene has not been reported previously as a pathogenic variant nor as a benign variant, to our knowledge. This variant is predicted to cause loss of normal protein function either through protein truncation or nonsense-mediated mRNA decay. The R469X variant is not observed in large population cohorts (Lek et al., 2016). We interpret R469X as a pathogenic variant.

NM_001079872.2(CUL4B):c.1351C>T (p.Arg451Ter)

Gene: CUL4B (cullin 4B; minus strand). Cytogenetic location: Xq24.
Variant type: single nucleotide variant.
Coding change: c.1351C>T on transcript NM_001079872.2 (MANE Select); coding-DNA position 1351, C replaced by T.
Protein change: p.Arg451Ter; replaces arginine 451 with a stop codon.
Molecular consequence: nonsense.
Genome position (GRCh38, 1-based): chrX:120,541,694, G>A on the plus strand (C>T on the coding strand, the complement: CUL4B is on the minus strand). VCF-style: chrX-120541694-G-A. GRCh37 (hg19) VCF-style: chrX-119675549-G-A.
Other names: c.1366C>T, p.Arg456Ter (NM_001330624.2); c.817C>T, p.Arg273Ter (NM_001369145.1); c.1405C>T, p.Arg469Ter (NM_003588.4); short protein forms R469*, R451*, R456*, R273*.
Identifiers: ClinVar variation 620257 (VCV000620257.1), dbSNP rs1569390220, ClinGen allele CA414197281.
Genomic context (GRCh38, chrX:120,541,694, plus strand): 5'-CCTGAACTCCACCTCGAACTCTACTGAAGAGCTGATACAGAAGAGACAAATCTTGAATTC[G>A]GTTTTCATCAAGGAGGTTATTTAAACCTGTATTTTAAAACATTTTGGCATTAAAATATAG-3'